The following is an entry in ClinVar:

NM_004447.6(EPS8):c.589G>A (p.Asp197Asn)

Gene: EPS8 (EGFR pathway substrate 8, signaling adaptor; minus strand). Cytogenetic location: 12p12.3.
Variant type: single nucleotide variant.
Coding change: c.589G>A on transcript NM_004447.6 (MANE Select); coding-DNA position 589, G replaced by A.
Protein change: p.Asp197Asn; replaces aspartic acid 197 with asparagine.
Molecular consequence: missense variant.
Genome position (GRCh38, 1-based): chr12:15,666,450, C>T on the plus strand (G>A on the coding strand, the complement: EPS8 is on the minus strand). VCF-style: chr12-15666450-C-T. GRCh37 (hg19) VCF-style: chr12-15819384-C-T.
Other names: short protein forms D197N.
Identifiers: ClinVar variation 666691 (VCV000666691.4), dbSNP rs150255928, ClinGen allele CA6467837.
Genomic context (GRCh38, chr12:15,666,450, plus strand): 5'-GCCTTAGAAACAAATCAATTCCACTCCTTGATTTCTTTCAATGCTTTTACCTCAGGGCGT[C>T]GGGCCGCCTCTTCTGTTTCCCTCCTTTACTGTCACTGATTGCACTTTCAATATCTTCACT-3'
Protein context (NP_004438.3, residues 187-207): SKGGKQKRRP[Asp197Asn]ALRMISNADP

ClinVar aggregate classification (germline): Likely benign (1 of 4 stars; one submission).

Allele frequency attached by ClinVar (database versions not stated): 1000 Genomes Project 30x 0.00016; 1000 Genomes Project 0.00020; gnomAD exomes 0.00008; gnomAD 0.00009; TOPMed 0.00009; ExAC 0.00010.
gnomAD v4.1: 129 of 1,613,020 alleles (0.008%); highest among the groups gnomAD compares: Middle Eastern, 0.017%; no homozygotes.

Submission:

Laboratory for Molecular Medicine, Mass General Brigham Personalized Medicine
Classification: Likely benign. Last evaluated: 2018-09-18. Review status: criteria provided, single submitter. Criteria: LMM Criteria. Collection method: clinical testing. Allele origin: germline. Observed: 1 variant allele.
Comment: The p.Asp197Asn variant in EPS8 is classified as likely benign because it has be en identified in 0.1% (10/10144) of Ashkenazi Jewish chromosomes by gnomAD, and computational prediction tools and conservati on analysis suggest that this variant may not impact the protein. ACMG/AMP Crite ria applied: BS1_Supporting, BP4.